The following is an entry in ClinVar:

ClinVar aggregate classification (germline): Pathogenic (0 of 4 stars; one submission).

Conditions:
Pseudohypoaldosteronism type 2A (PHA2A). Also called: GORDON HYPERKALEMIA-HYPERTENSION SYNDROME; HYPERTENSIVE HYPERKALEMIA, FAMILIAL. Identifiers: Orphanet 757, Orphanet 88938, MedGen C1840389, MONDO:0007772, OMIM 145260.

Submission:

Richard Lifton Laboratory, Yale University School of Medicine
Classification: Pathogenic for Pseudohypoaldosteronism, type 2. Review status: no assertion criteria provided. Collection method: not provided. Allele origin: germline.
Comment: dominant;observed de novo;BACK domain
ClinVar note: Converted during submission from pathogenic to Pathogenic.

NM_017415.3(KLHL3):c.491G>T (p.Cys164Phe)

Gene: KLHL3 (kelch like family member 3; minus strand). Cytogenetic location: 5q31.2.
Variant type: single nucleotide variant.
Coding change: c.491G>T on transcript NM_017415.3 (MANE Select); coding-DNA position 491, G replaced by T.
Protein change: p.Cys164Phe; replaces cysteine 164 with phenylalanine.
Molecular consequence: missense variant.
Genome position (GRCh38, 1-based): chr5:137,692,320, C>A on the plus strand (G>T on the coding strand, the complement: KLHL3 is on the minus strand). VCF-style: chr5-137692320-C-A. GRCh37 (hg19) VCF-style: chr5-137028009-C-A.
Other names: c.395G>T, p.Cys132Phe (NM_001257194.1); c.245G>T, p.Cys82Phe (NM_001257195.2); short protein forms C164F, C82F, C132F.
Identifiers: ClinVar variation 100533 (VCV000100533.3), dbSNP rs199469626, ClinGen allele CA269974.